The following is an entry in ClinVar:

NM_001429.4(EP300):c.2473C>T (p.Pro825Ser)

Gene: EP300 (EP300 lysine acetyltransferase; plus strand). Cytogenetic location: 22q13.2.
Variant type: single nucleotide variant.
Coding change: c.2473C>T on transcript NM_001429.4 (MANE Select); coding-DNA position 2473, C replaced by T.
Protein change: p.Pro825Ser; replaces proline 825 with serine.
Molecular consequence: missense variant.
Genome position (GRCh38, 1-based): chr22:41,149,854, C>T. VCF-style: chr22-41149854-C-T. GRCh37 (hg19) VCF-style: chr22-41545858-C-T.
Other names: c.2395C>T, p.Pro799Ser (NM_001362843.2); short protein forms P799S, P825S.
Identifiers: ClinVar variation 1331239 (VCV001331239.7), dbSNP rs751515727, ClinGen allele CA10252882.

ClinVar aggregate classification (germline): Conflicting classifications of pathogenicity. Review status: criteria provided, conflicting classifications (1 of 4 stars). 3 submissions from 3 submitters: Uncertain significance (1); Likely benign (2). Last evaluated 2026-01-01.

Allele frequency attached by ClinVar (database versions not stated): gnomAD exomes below 0.00001 and 0.00002; ExAC 0.00001; gnomAD 0.00001.
gnomAD v4.1: 8 of 1,614,018 alleles (0.0005%); highest among the groups gnomAD compares: South Asian, 0.0077%; no homozygotes.

Submissions (3):

CeGaT Center for Human Genetics Tuebingen
Classification: Likely benign. Last evaluated: 2026-01-01. Review status: criteria provided, single submitter. Criteria: CeGaT Center For Human Genetics Tuebingen Variant Classification Criteria Version 2. Collection method: clinical testing. Allele origin: germline. Affected: yes. Observed: 1 variant allele.
Comment: EP300: BP4

Blueprint Genetics
Classification: Likely benign. Last evaluated: 2022-12-05. Review status: criteria provided, single submitter. Criteria: ACMG Guidelines, 2015. Collection method: clinical testing. Allele origin: germline.

GeneDx
Classification: Uncertain significance. Last evaluated: 2021-06-29. Review status: criteria provided, single submitter. Criteria: GeneDx Variant Classification Process June 2021. Collection method: clinical testing. Allele origin: germline. Affected: yes.
Comment: Has not been previously published as pathogenic or benign to our knowledge; In silico analysis supports that this missense variant does not alter protein structure/function; This variant is associated with the following publications: (PMID: 27535533)